The following is an entry in ClinVar:

NM_004360.5(CDH1):c.2440-118G>A

Gene: CDH1 (cadherin 1; plus strand). Cytogenetic location: 16q22.1.
Variant type: single nucleotide variant.
Coding change: c.2440-118G>A on transcript NM_004360.5 (MANE Select); 118 bases into the intron before coding-DNA position 2440, G replaced by A.
Molecular consequence: intron variant.
Genome position (GRCh38, 1-based): chr16:68,833,172, G>A. VCF-style: chr16-68833172-G-A. GRCh37 (hg19) VCF-style: chr16-68867075-G-A.
Other names: c.892-118G>A (NM_001317185.2); c.475-118G>A (NM_001317186.2); c.2257-118G>A (NM_001317184.2).
Identifiers: ClinVar variation 2503009 (VCV002503009.1), dbSNP rs968481300, ClinGen allele CA283319612.

ClinVar aggregate classification (germline): Uncertain significance (1 of 4 stars; one submission).

Conditions:
Hereditary diffuse gastric adenocarcinoma (HDGC). Also called: DIFFUSE GASTRIC AND LOBULAR BREAST CANCER SYNDROME. Identifiers: Orphanet 26106, MedGen C1708349, MONDO:0007648, OMIM 137215.

Allele frequency attached by ClinVar (database versions not stated): gnomAD 0.00009; TOPMed 0.00023.
gnomAD v4.1: 46 of 821,694 alleles (0.0056%); highest among the groups gnomAD compares: Admixed American, 0.029%; no homozygotes.

Submission:

European Reference Network on Genetic Tumour Risk Syndromes (ERN-GENTURIS), i3s - Instituto de Investigação e Inovação em Saúde, University of Porto
Classification: Uncertain significance for Hereditary diffuse gastric adenocarcinoma. Last evaluated: 2022-08-01. Review status: criteria provided, single submitter. Criteria: Lee et al. (Hum Mutat. 2018). Collection method: clinical testing. Allele origin: germline. Inheritance: Autosomal dominant inheritance. Affected: no. Study: ERN GENTURIS.
Comment: PM2 (PMID: 30311375)

Literature cited by the submitters: PubMed 36436516.